The following is an entry in ClinVar:

ClinVar aggregate classification (germline): Likely benign. Review status: criteria provided, multiple submitters, no conflicts (2 of 4 stars). 4 submissions from 4 submitters: Likely benign (3). 1 of the submissions does not count toward it. Last evaluated 2026-01-27.

Conditions:
IDH3A-related disorder. Also called: IDH3A-related condition.

Allele frequency attached by ClinVar (database versions not stated): 1000 Genomes Project 0.00100; 1000 Genomes Project 30x 0.00109; ExAC 0.00219; gnomAD exomes 0.00232 and 0.00438; gnomAD 0.00267 and 0.00269; TOPMed 0.00284; ESP Exome Variant Server 0.00416.
gnomAD v4.1: 6,749 of 1,598,718 alleles (0.42%); highest among the groups gnomAD compares: Non-Finnish European, 0.53%; 31 homozygotes.

Submissions (4):

Labcorp Genetics (formerly Invitae), Labcorp
Classification: Likely benign. Last evaluated: 2026-01-27. Review status: criteria provided, single submitter. Criteria: Invitae Variant Classification Sherloc (09022015). Collection method: clinical testing. Allele origin: germline.

Blueprint Genetics
Classification: Likely benign. Last evaluated: 2024-11-21. Review status: criteria provided, single submitter. Criteria: ACMG Guidelines, 2015. Collection method: clinical testing. Allele origin: germline.

Breakthrough Genomics
Classification: Likely benign. Review status: criteria provided, single submitter. Criteria: ACMG Guidelines, 2015. Collection method: not provided. Allele origin: germline. Inheritance: Autosomal recessive inheritance. Affected: yes.

PreventionGenetics, part of Exact Sciences
Classification: Likely benign for IDH3A-related condition. Last evaluated: 2022-07-12. Review status: no assertion criteria provided. Collection method: clinical testing. Allele origin: germline. Not counted in ClinVar's aggregate classification.
Comment: This variant is classified as likely benign based on ACMG/AMP sequence variant interpretation guidelines (Richards et al. 2015 PMID: 25741868, with internal and published modifications).

NM_005530.3(IDH3A):c.1078C>T (p.Arg360Cys)

Genes: ACSBG1 (acyl-CoA synthetase bubblegum family member 1; minus strand), IDH3A (isocitrate dehydrogenase (NAD(+)) 3 catalytic subunit alpha; plus strand). Cytogenetic location: 15q25.1.
Variant type: single nucleotide variant.
Coding change: c.1078C>T on transcript NM_005530.3 (MANE Select); coding-DNA position 1078, C replaced by T.
Protein change: p.Arg360Cys; replaces arginine 360 with cysteine.
Molecular consequence: missense variant. On other transcripts: 3 prime UTR variant (2).
Genome position (GRCh38, 1-based): chr15:78,168,982, C>T. VCF-style: chr15-78168982-C-T. GRCh37 (hg19) VCF-style: chr15-78461324-C-T.
Other names: c.*2462G>A (NM_001199377.2, NM_015162.5); short protein forms R360C.
Identifiers: ClinVar variation 1146800 (VCV001146800.13), dbSNP rs116374996, ClinGen allele CA7680758.